The following is an entry in ClinVar:

ClinVar aggregate classification (germline): Uncertain significance. Review status: criteria provided, multiple submitters, no conflicts (2 of 4 stars). 2 submissions from 2 submitters: Uncertain significance (2). Last evaluated 2025-12-10.

Conditions:
Renal cell carcinoma. Identifiers: Orphanet 217071, MedGen C0007134, MeSH D002292, MONDO:0005086, HP:0005584.
Hereditary cancer-predisposing syndrome. Also called: Tumor predisposition; Neoplastic Syndromes, Hereditary; Hereditary neoplastic syndrome; Hereditary Cancer Syndrome. Identifiers: Orphanet 140162, MedGen C0027672, MeSH D009386, MONDO:0015356.

Submissions (2):

Labcorp Genetics (formerly Invitae), Labcorp
Classification: Uncertain significance for Renal cell carcinoma. Last evaluated: 2025-12-10. Review status: criteria provided, single submitter. Criteria: Invitae Variant Classification Sherloc (09022015). Collection method: clinical testing. Allele origin: germline.
Comment: This sequence change replaces leucine, which is neutral and non-polar, with methionine, which is neutral and non-polar, at codon 982 of the MET protein (p.Leu982Met). This variant is not present in population databases (gnomAD no frequency). This variant has not been reported in the literature in individuals affected with MET-related conditions. ClinVar contains an entry for this variant (Variation ID: 4106814). An algorithm developed to predict the effect of missense changes on protein structure and function (PolyPhen-2) suggests that this variant is likely to be disruptive. In summary, the available evidence is currently insufficient to determine the role of this variant in disease. Therefore, it has been classified as a Variant of Uncertain Significance.

Ambry Genetics
Classification: Uncertain significance for Hereditary cancer-predisposing syndrome. Last evaluated: 2025-09-14. Review status: criteria provided, single submitter. Criteria: Ambry Variant Classification Scheme 2023. Collection method: clinical testing. Allele origin: germline.
Comment: The p.L982M variant (also known as c.2944C>A), located in coding exon 13 of the MET gene, results from a C to A substitution at nucleotide position 2944. The leucine at codon 982 is replaced by methionine, an amino acid with highly similar properties. This amino acid position is conserved. In addition, the in silico prediction for this alteration is inconclusive. Based on the available evidence, the clinical significance of this variant remains unclear.

NM_000245.4(MET):c.2890C>A (p.Leu964Met)

Gene: MET (MET proto-oncogene, receptor tyrosine kinase; plus strand). Cytogenetic location: 7q31.2.
Variant type: single nucleotide variant.
Coding change: c.2890C>A on transcript NM_000245.4 (MANE Select); coding-DNA position 2890, C replaced by A.
Protein change: p.Leu964Met; replaces leucine 964 with methionine.
Molecular consequence: missense variant.
Genome position (GRCh38, 1-based): chr7:116,771,851, C>A. VCF-style: chr7-116771851-C-A. GRCh37 (hg19) VCF-style: chr7-116411905-C-A.
Other names: c.2944C>A, p.Leu982Met (NM_001127500.3); c.1600C>A, p.Leu534Met (NM_001324402.2); short protein forms L982M, L534M, L964M.
Identifiers: ClinVar variation 4106814 (VCV004106814.2).